The following is an entry in ClinVar:

NM_022166.4(XYLT1):c.809G>A (p.Arg270His)

Gene: XYLT1 (xylosyltransferase 1; minus strand). Cytogenetic location: 16p12.3.
Variant type: single nucleotide variant.
Coding change: c.809G>A on transcript NM_022166.4 (MANE Select); coding-DNA position 809, G replaced by A.
Protein change: p.Arg270His; replaces arginine 270 with histidine.
Molecular consequence: missense variant.
Genome position (GRCh38, 1-based): chr16:17,259,092, C>T on the plus strand (G>A on the coding strand, the complement: XYLT1 is on the minus strand). VCF-style: chr16-17259092-C-T. GRCh37 (hg19) VCF-style: chr16-17352949-C-T.
Other names: c.809G>A (NM_022166.3); short protein forms R270H.
Identifiers: ClinVar variation 2144632 (VCV002144632.3), dbSNP rs750159503, ClinGen allele CA7928104.

ClinVar aggregate classification (germline): Uncertain significance. Review status: criteria provided, multiple submitters, no conflicts (2 of 4 stars). 2 submissions from 2 submitters: Uncertain significance (2). Last evaluated 2026-01-26.

Conditions:
Inborn genetic diseases. Identifiers: MedGen C0950123, MeSH D030342.
Desbuquois dysplasia 1 (DBQD1). Also called: DESBUQUOIS DYSPLASIA 1, KIM VARIANT; MICROMELIC DWARFISM WITH VERTEBRAL AND METAPHYSEAL ABNORMALITIES AND ADVANCED CARPOTARSAL OSSIFICATION. Identifiers: Orphanet 1425, MedGen C4012146, MONDO:0009629, OMIM 251450.

Allele frequency attached by ClinVar (database versions not stated): gnomAD exomes 0.00001; ExAC 0.00002.
gnomAD v4.1: 11 of 1,550,338 alleles (0.00071%); highest among the groups gnomAD compares: East Asian, 0.0045%; no homozygotes.

Submissions (2):

Labcorp Genetics (formerly Invitae), Labcorp
Classification: Uncertain significance for Desbuquois dysplasia 1. Last evaluated: 2026-01-26. Review status: criteria provided, single submitter. Criteria: Invitae Variant Classification Sherloc (09022015). Collection method: clinical testing. Allele origin: germline.
Comment: This sequence change replaces arginine, which is basic and polar, with histidine, which is basic and polar, at codon 270 of the XYLT1 protein (p.Arg270His). This variant is present in population databases (rs750159503, gnomAD 0.005%). This variant has not been reported in the literature in individuals affected with XYLT1-related conditions. ClinVar contains an entry for this variant (Variation ID: 2144632). Invitae Evidence Modeling of protein sequence and biophysical properties (such as structural, functional, and spatial information, amino acid conservation, physicochemical variation, residue mobility, and thermodynamic stability) indicates that this missense variant is expected to disrupt XYLT1 protein function with a positive predictive value of 80%. In summary, the available evidence is currently insufficient to determine the role of this variant in disease. Therefore, it has been classified as a Variant of Uncertain Significance.

Ambry Genetics
Classification: Uncertain significance for Inborn genetic diseases. Last evaluated: 2025-04-11. Review status: criteria provided, single submitter. Criteria: Ambry Variant Classification Scheme 2023. Collection method: clinical testing. Allele origin: germline.